The following is an entry in ClinVar:

ClinVar aggregate classification (germline): Uncertain significance (1 of 4 stars; one submission).

gnomAD v4.1: 1 of 1,606,136 alleles (0.000062%); highest among the groups gnomAD compares: South Asian, 0.0011%; no homozygotes.

Submission:

Women's Health and Genetics/Laboratory Corporation of America, LabCorp
Classification: Uncertain significance. Last evaluated: 2026-04-08. Review status: criteria provided, single submitter. Criteria: LabCorp Variant Classification Summary - May 2015. Collection method: clinical testing. Allele origin: germline.
Comment: Variant summary: DDX6 c.239C>T (p.Pro80Leu) results in a non-conservative amino acid change in the encoded protein sequence. Algorithms developed to predict the effect of missense changes on protein structure and function are either unavailable or do not agree on the potential impact of this missense change. The variant was absent in 238838 control chromosomes. The available data on variant occurrences in the general population are insufficient to allow any conclusion about variant significance. To our knowledge, no occurrence of c.239C>T in individuals affected with DDX6-related conditions and no experimental evidence demonstrating its impact on protein function have been reported. No submitters have cited clinical-significance assessments for this variant to ClinVar. Based on the evidence outlined above, the variant was classified as uncertain significance.

NM_004397.6(DDX6):c.239C>T (p.Pro80Leu)

Gene: DDX6 (DEAD-box helicase 6; minus strand). Cytogenetic location: 11q23.3.
Variant type: single nucleotide variant.
Coding change: c.239C>T on transcript NM_004397.6 (MANE Select); coding-DNA position 239, C replaced by T.
Protein change: p.Pro80Leu; replaces proline 80 with leucine.
Molecular consequence: missense variant. On other transcripts: 5 prime UTR variant (1).
Genome position (GRCh38, 1-based): chr11:118,781,146, G>A on the plus strand (C>T on the coding strand, the complement: DDX6 is on the minus strand). VCF-style: chr11-118781146-G-A. GRCh37 (hg19) VCF-style: chr11-118651855-G-A.
Other names: c.239C>T, p.Pro80Leu (NM_001257191.3, NM_001425145.1, NM_001425146.1 and 7 more transcripts); c.-86C>T (NM_001425154.1); short protein forms P80L.
Identifiers: ClinVar variation 4848739 (VCV004848739.1).